The following is an entry in ClinVar:

NM_000434.4(NEU1):c.202G>A (p.Gly68Arg)

Gene: NEU1 (neuraminidase 1; minus strand). Cytogenetic location: 6p21.33.
Variant type: single nucleotide variant.
Coding change: c.202G>A on transcript NM_000434.4 (MANE Select); coding-DNA position 202, G replaced by A.
Protein change: p.Gly68Arg; replaces glycine 68 with arginine.
Molecular consequence: missense variant.
Genome position (GRCh38, 1-based): chr6:31,862,149, C>T on the plus strand (G>A on the coding strand, the complement: NEU1 is on the minus strand). VCF-style: chr6-31862149-C-T. GRCh37 (hg19) VCF-style: chr6-31829926-C-T.
Other names: short protein forms G68R.
Identifiers: ClinVar variation 2416085 (VCV002416085.5), dbSNP rs751209572, ClinGen allele CA363496597.
Genomic context (GRCh38, chr6:31,862,149, plus strand): 5'-CCCGCGGAGTGGCTGTGATGAGCGGGATGCGGAAGGTGTCCACTGAGCCGATCTGTCTCC[C>T]GCTCACCCACAGCAGTTGCTCCATGGTCACCAGCGGCTGCACCTGTCATGGGAGGAGGAA-3'
Protein context (NP_000425.1, residues 58-78): VTMEQLLWVS[Gly68Arg]RQIGSVDTFR

ClinVar aggregate classification (germline): Uncertain significance (1 of 4 stars; one submission).

Allele frequency attached by ClinVar (database versions not stated): gnomAD exomes below 0.00001; TOPMed below 0.00001.
gnomAD v4.1: 4 of 1,613,040 alleles (0.00025%); highest among the groups gnomAD compares: Non-Finnish European, 0.00025%; no homozygotes.

Submission:

Labcorp Genetics (formerly Invitae), Labcorp
Classification: Uncertain significance. Last evaluated: 2022-10-25. Review status: criteria provided, single submitter. Criteria: Invitae Variant Classification Sherloc (09022015). Collection method: clinical testing. Allele origin: germline.
Comment: In summary, the available evidence is currently insufficient to determine the role of this variant in disease. Therefore, it has been classified as a Variant of Uncertain Significance. This variant disrupts the p.Gly68 amino acid residue in NEU1. Other variant(s) that disrupt this residue have been determined to be pathogenic (PMID: 10767332). This suggests that this residue is clinically significant, and that variants that disrupt this residue are likely to be disease-causing. Advanced modeling of protein sequence and biophysical properties (such as structural, functional, and spatial information, amino acid conservation, physicochemical variation, residue mobility, and thermodynamic stability) performed at Invitae indicates that this missense variant is not expected to disrupt NEU1 protein function. This variant has not been reported in the literature in individuals affected with NEU1-related conditions. This variant is present in population databases (no rsID available, gnomAD 0.01%). This sequence change replaces glycine, which is neutral and non-polar, with arginine, which is basic and polar, at codon 68 of the NEU1 protein (p.Gly68Arg).

Literature cited by the submitters: PubMed 10767332.